The following is an entry in ClinVar:

NM_001999.4(FBN2):c.2161G>C (p.Gly721Arg)

Gene: FBN2 (fibrillin 2; minus strand). Cytogenetic location: 5q23.3.
Variant type: single nucleotide variant.
Coding change: c.2161G>C on transcript NM_001999.4 (MANE Select); coding-DNA position 2161, G replaced by C.
Protein change: p.Gly721Arg; replaces glycine 721 with arginine.
Molecular consequence: missense variant.
Genome position (GRCh38, 1-based): chr5:128,369,269, C>G on the plus strand (G>C on the coding strand, the complement: FBN2 is on the minus strand). VCF-style: chr5-128369269-C-G. GRCh37 (hg19) VCF-style: chr5-127704962-C-G.
Other names: short protein forms G721R.
Identifiers: ClinVar variation 519813 (VCV000519813.20), dbSNP rs149733159, ClinGen allele CA3395621.

ClinVar aggregate classification (germline): Conflicting classifications of pathogenicity. Review status: criteria provided, conflicting classifications (1 of 4 stars). 4 submissions from 4 submitters: Uncertain significance (2); Likely benign (2). Last evaluated 2026-01-06.

Conditions:
Familial thoracic aortic aneurysm and aortic dissection (TAAD). Also called: Thoracic aortic aneurysms and dissections. Identifiers: Orphanet 91387, MedGen C4707243, MONDO:0019625.
Congenital contractural arachnodactyly (CCA). Also called: BEALS SYNDROME; Beals-Hecht syndrome; Arthrogryposis, distal, type 9. Identifiers: Orphanet 115, MedGen C0220668, MONDO:0007363, OMIM 121050.

Allele frequency attached by ClinVar (database versions not stated): TOPMed 0.00002.
gnomAD v4.1: 109 of 1,613,908 alleles (0.0068%); highest among the groups gnomAD compares: Non-Finnish European, 0.0088%; no homozygotes.

Submissions (4):

Labcorp Genetics (formerly Invitae), Labcorp
Classification: Likely benign for Congenital contractural arachnodactyly. Last evaluated: 2026-01-06. Review status: criteria provided, single submitter. Criteria: Invitae Variant Classification Sherloc (09022015). Collection method: clinical testing. Allele origin: germline.

Ambry Genetics
Classification: Uncertain significance for Familial thoracic aortic aneurysm and aortic dissection. Last evaluated: 2025-09-10. Review status: criteria provided, single submitter. Criteria: Ambry Variant Classification Scheme 2023. Collection method: clinical testing. Allele origin: germline.
Comment: The p.G721R variant (also known as c.2161G>C), located in coding exon 16 of the FBN2 gene, results from a G to C substitution at nucleotide position 2161. The glycine at codon 721 is replaced by arginine, an amino acid with dissimilar properties. This amino acid position is highly conserved in available vertebrate species. In addition, the in silico prediction for this alteration is inconclusive. Based on the available evidence, the clinical significance of this variant remains unclear.

Blueprint Genetics
Classification: Likely benign. Last evaluated: 2024-10-25. Review status: criteria provided, single submitter. Criteria: ACMG Guidelines, 2015. Collection method: clinical testing. Allele origin: germline.

GeneDx
Classification: Uncertain significance. Last evaluated: 2022-07-21. Review status: criteria provided, single submitter. Criteria: GeneDx Variant Classification Process June 2021. Collection method: clinical testing. Allele origin: germline. Affected: yes.
Comment: Has not been previously published as pathogenic or benign to our knowledge; Not located within exons 24-33, where the majority of pathogenic variants reported to date occur (Callewaert et al., 2009, Frederic et al., 2009); Does not occur within a calcium-binding-EGF-like domain (Callewaert et al., 2009, Frederic et al., 2009); In silico analysis supports that this missense variant has a deleterious effect on protein structure/function; This variant is associated with the following publications: (PMID: 19006240, 18767143)